The following is an entry in ClinVar:

ClinVar aggregate classification (germline): Uncertain significance (1 of 4 stars; one submission).

Conditions:
Primary dilated cardiomyopathy (DCM). Also called: Dilated Cardiomyopathy. Identifiers: Orphanet 217604, MedGen C0007193, MeSH D002311, MONDO:0005021, HP:0001644. Inheritance: Various modes of inheritance.

Submission:

Labcorp Genetics (formerly Invitae), Labcorp
Classification: Uncertain significance for Primary dilated cardiomyopathy. Last evaluated: 2023-06-22. Review status: criteria provided, single submitter. Criteria: Invitae Variant Classification Sherloc (09022015). Collection method: clinical testing. Allele origin: germline.
Comment: Algorithms developed to predict the effect of sequence changes on RNA splicing suggest that this variant may disrupt the consensus splice site. This sequence change replaces serine, which is neutral and polar, with leucine, which is neutral and non-polar, at codon 359 of the NEBL protein (p.Ser359Leu). This variant is not present in population databases (gnomAD no frequency). This variant has not been reported in the literature in individuals affected with NEBL-related conditions. ClinVar contains an entry for this variant (Variation ID: 1428441). Algorithms developed to predict the effect of missense changes on protein structure and function output the following: SIFT: "Not Available"; PolyPhen-2: "Benign"; Align-GVGD: "Not Available". The leucine amino acid residue is found in multiple mammalian species, which suggests that this missense change does not adversely affect protein function. In summary, the available evidence is currently insufficient to determine the role of this variant in disease. Therefore, it has been classified as a Variant of Uncertain Significance.

NM_006393.3(NEBL):c.1076C>T (p.Ser359Leu)

Gene: NEBL (nebulette; minus strand). Cytogenetic location: 10p12.31.
Variant type: single nucleotide variant.
Coding change: c.1076C>T on transcript NM_006393.3 (MANE Select); coding-DNA position 1076, C replaced by T.
Protein change: p.Ser359Leu; replaces serine 359 with leucine.
Molecular consequence: missense variant. On other transcripts: intron variant (9).
Genome position (GRCh38, 1-based): chr10:20,850,435, G>A on the plus strand (C>T on the coding strand, the complement: NEBL is on the minus strand). VCF-style: chr10-20850435-G-A. GRCh37 (hg19) VCF-style: chr10-21139364-G-A.
Other names: c.250-37495C>T (NM_001377326.1, NM_001377327.1, NM_001377328.1); c.358-37495C>T (NM_213569.2, NM_001173484.2, NM_001377322.1); c.301-37495C>T (NM_001377324.1); c.292-37495C>T (NM_001377325.1); c.310-37495C>T (NM_001377323.1); short protein forms S359L.
Identifiers: ClinVar variation 1428441 (VCV001428441.6), dbSNP rs1842393771, ClinGen allele CA376099867.